The following is an entry in ClinVar:

ClinVar aggregate classification (germline): Pathogenic (1 of 4 stars; one submission).

Submission:

Labcorp Genetics (formerly Invitae), Labcorp
Classification: Pathogenic. Last evaluated: 2026-01-12. Review status: criteria provided, single submitter. Criteria: Invitae Variant Classification Sherloc (09022015). Collection method: clinical testing. Allele origin: germline.
Comment: This sequence change creates a premature translational stop signal (p.Leu20Cysfs*70) in the TRPM1 gene. It is expected to result in an absent or disrupted protein product. Loss-of-function variants in TRPM1 are known to be pathogenic (PMID: 19896113, 19966281, 20300565). This variant is not present in population databases (gnomAD no frequency). This variant has not been reported in the literature in individuals affected with TRPM1-related conditions. For these reasons, this variant has been classified as Pathogenic.

Literature cited by the submitters: PubMed 19896113; PubMed 19966281; PubMed 20300565.

NM_001252024.2(TRPM1):c.123del (p.Leu42fs)

Gene: TRPM1 (transient receptor potential cation channel subfamily M member 1; minus strand). Cytogenetic location: 15q13.3.
Variant type: Deletion.
Coding change: c.123del on transcript NM_001252024.2 (MANE Select); coding-DNA position 123, one base deleted (T; older notation c.123delT).
Protein change: p.Leu42fs; shifts the reading frame from leucine 42.
Molecular consequence: frameshift variant.
Genome position (GRCh38, 1-based): chr15:31,070,187, A deleted on the plus strand (T on the coding strand, the reverse complement: TRPM1 is on the minus strand). VCF-style (leftmost placement, unchanged base first): chr15-31070186-GA-G. GRCh37 (hg19) VCF-style: chr15-31362389-GA-G.
Other names: c.174del, p.Leu59fs (NM_001252020.2); c.57del, p.Leu20fs (NM_001252030.2, NM_002420.6); short protein forms L59fs, L42fs, L20fs.
Identifiers: ClinVar variation 4735275 (VCV004735275.1).
Genomic context (GRCh38, chr15:31,070,186, plus strand): 5'-CAGGCTGAGTCTCCACCTGTTTGCTTTCCTCTTCATTTTTGCTGGGTGTTGCACTTGGCA[GA>G]GGGGGGATATGCTGGTTGGTGAACTGGCCACAGCAACACCTGAAAACAAAGGCAAAGCAG-3'